The following is an entry in ClinVar:

ClinVar aggregate classification (germline): Benign. Review status: criteria provided, multiple submitters, no conflicts (2 of 4 stars). 10 submissions from 9 submitters: Benign (8). 2 of the submissions do not count toward it. Last evaluated 2025-07-24.

Conditions:
Bartter disease type 3. Also called: Bartter syndrome type 3. Identifiers: Orphanet 112, Orphanet 93605, MedGen C1846343, MONDO:0011822, OMIM 607364.
Bartter disease type 4B. Also called: BARTTER SYNDROME, TYPE 4B, NEONATAL, WITH SENSORINEURAL DEAFNESS; Bartter syndrome, type 4b, digenic; BARTTER SYNDROME, TYPE 4B. Identifiers: Orphanet 112, MedGen C4310805, MONDO:0000909, OMIM 613090.

Allele frequency attached by ClinVar (database versions not stated): TOPMed 0.81029; 1000 Genomes Project 30x 0.81933; 1000 Genomes Project 0.82728; gnomAD 0.82868.

Submissions (10):

Labcorp Genetics (formerly Invitae), Labcorp
Classification: Benign. Last evaluated: 2025-07-24. Review status: criteria provided, single submitter. Criteria: Invitae Variant Classification Sherloc (09022015). Collection method: clinical testing. Allele origin: germline.

Blueprint Genetics
Classification: Benign. Last evaluated: 2024-11-26. Review status: criteria provided, single submitter. Criteria: ACMG Guidelines, 2015. Collection method: clinical testing. Allele origin: germline.

Mayo Clinic Laboratories, Mayo Clinic
Classification: Benign. Last evaluated: 2022-03-09. Review status: criteria provided, single submitter. Criteria: ACMG Guidelines, 2015. Collection method: clinical testing. Allele origin: germline. Observed: 191 variant alleles.

Genome-Nilou Lab
Classification: Benign for Bartter disease type 4B. Last evaluated: 2021-07-22. Review status: criteria provided, single submitter. Criteria: ACMG Guidelines, 2015. Collection method: clinical testing. Allele origin: germline. Affected: no.

Genome-Nilou Lab
Classification: Benign for Bartter disease type 3. Last evaluated: 2021-07-22. Review status: criteria provided, single submitter. Criteria: ACMG Guidelines, 2015. Collection method: clinical testing. Allele origin: germline. Affected: no.

GeneDx
Classification: Benign. Last evaluated: 2018-11-10. Review status: criteria provided, single submitter. Criteria: GeneDx Variant Classification Process June 2021. Collection method: clinical testing. Allele origin: germline. Affected: yes.

Laboratory for Molecular Medicine, Mass General Brigham Personalized Medicine
Classification: Benign. Last evaluated: 2016-03-21. Review status: criteria provided, single submitter. Criteria: LMM Criteria. Collection method: clinical testing. Allele origin: germline. Observed: 1 variant allele.
Comment: p.Ala214Ala in exon 7 of CLCNKB: This variant is not expected to have clinical s ignificance because it does not alter an amino acid residue, is not located with in the splice consensus sequence, and has been identified in 99.93% (8628/8634) of East Asian chromosomes by the Exome Aggregation Consortium (ExAC .; dbSNP rs1889790).

Breakthrough Genomics
Classification: Benign. Review status: criteria provided, single submitter. Criteria: ACMG Guidelines, 2015. Collection method: not provided. Allele origin: germline. Inheritance: Autosomal recessive inheritance. Affected: yes.

Diagnostic Laboratory, Department of Genetics, University Medical Center Groningen
Classification: Benign. Review status: no assertion criteria provided. Collection method: clinical testing. Allele origin: germline. Affected: yes. Study: VKGL Data-share Consensus. Not counted in ClinVar's aggregate classification.

Joint Genome Diagnostic Labs from Nijmegen and Maastricht, Radboudumc and MUMC+
Classification: Benign. Review status: no assertion criteria provided. Collection method: clinical testing. Allele origin: germline. Affected: yes. Study: VKGL Data-share Consensus. Not counted in ClinVar's aggregate classification.

NM_000085.5(CLCNKB):c.642A>C (p.Ala214=)

Genes: CLCNKB (chloride voltage-gated channel Kb; plus strand), LOC106501713 (CLCNKB recombination region; plus strand). Cytogenetic location: 1p36.13.
Variant type: single nucleotide variant.
Coding change: c.642A>C on transcript NM_000085.5 (MANE Select); coding-DNA position 642, A replaced by C.
Protein change: p.Ala214=; no amino-acid change (alanine 214 retained).
Molecular consequence: synonymous variant.
Genome position (GRCh38, 1-based): chr1:16,048,569, A>C. VCF-style: chr1-16048569-A-C. GRCh37 (hg19) VCF-style: chr1-16375064-A-C.
Other names: p.Ala214=.
Identifiers: ClinVar variation 504915 (VCV000504915.17), dbSNP rs1889790, ClinGen allele CA623402.